The following is an entry in ClinVar:

NM_001083961.2(WDR62):c.303C>A (p.Asn101Lys)

Gene: WDR62 (WD repeat domain 62; plus strand). Cytogenetic location: 19q13.12.
Variant type: single nucleotide variant.
Coding change: c.303C>A on transcript NM_001083961.2 (MANE Select); coding-DNA position 303, C replaced by A.
Protein change: p.Asn101Lys; replaces asparagine 101 with lysine.
Molecular consequence: missense variant.
Genome position (GRCh38, 1-based): chr19:36,060,001, C>A. VCF-style: chr19-36060001-C-A. GRCh37 (hg19) VCF-style: chr19-36550903-C-A.
Other names: c.303C>A, p.Asn101Lys (NM_173636.5); short protein forms N101K.
Identifiers: ClinVar variation 426471 (VCV000426471.15), dbSNP rs139371621, ClinGen allele CA9395218.

ClinVar aggregate classification (germline): Conflicting classifications of pathogenicity. Review status: criteria provided, conflicting classifications (1 of 4 stars). 2 submissions from 2 submitters: Uncertain significance (1); Likely benign (1). Last evaluated 2024-04-10.

Allele frequency attached by ClinVar (database versions not stated): gnomAD 0.00073 and 0.00066; TOPMed 0.00083; ESP Exome Variant Server 0.00131; ExAC 0.00017; gnomAD exomes 0.00017; 1000 Genomes Project 0.00060; 1000 Genomes Project 30x 0.00062.
gnomAD v4.1: 244 of 1,614,190 alleles (0.015%); highest among the groups gnomAD compares: African/African-American, 0.26%; no homozygotes.

Submissions (2):

Labcorp Genetics (formerly Invitae), Labcorp
Classification: Likely benign. Last evaluated: 2024-04-10. Review status: criteria provided, single submitter. Criteria: Invitae Variant Classification Sherloc (09022015). Collection method: clinical testing. Allele origin: germline.

GeneDx
Classification: Uncertain significance. Last evaluated: 2024-01-30. Review status: criteria provided, single submitter. Criteria: GeneDx Variant Classification Process June 2021. Collection method: clinical testing. Allele origin: germline. Affected: yes.
Comment: In silico analysis supports that this missense variant has a deleterious effect on protein structure/function; Has not been previously published as pathogenic or benign to our knowledge